The following is an entry in ClinVar:

NM_024426.6(WT1):c.306C>A (p.Ser102Arg)

Genes: WT1 (WT1 transcription factor; minus strand), LOC107982234 (WT1/WT1-AS bi-directional promoter region; plus strand). Cytogenetic location: 11p13.
Variant type: single nucleotide variant.
Coding change: c.306C>A on transcript NM_024426.6 (MANE Select); coding-DNA position 306, C replaced by A.
Protein change: p.Ser102Arg; replaces serine 102 with arginine.
Molecular consequence: missense variant. On other transcripts: non-coding transcript variant (1).
Genome position (GRCh38, 1-based): chr11:32,435,055, G>T on the plus strand (C>A on the coding strand, the complement: WT1 is on the minus strand). VCF-style: chr11-32435055-G-T. GRCh37 (hg19) VCF-style: chr11-32456601-G-T.
Other names: c.291C>A (NM_024426.4); c.306C>A, p.Ser102Arg (NM_000378.6, NM_001407044.1, NM_001407045.1 and 6 more transcripts); c.291C>A, p.Ser97Arg (NM_024425.2); short protein forms S102R, S97R.
Identifiers: ClinVar variation 2199675 (VCV002199675.5), dbSNP rs2133105054, ClinGen allele CA379965963.

ClinVar aggregate classification (germline): Uncertain significance. Review status: criteria provided, multiple submitters, no conflicts (2 of 4 stars). 2 submissions from 2 submitters: Uncertain significance (2). Last evaluated 2025-08-07.

Conditions:
Frasier syndrome. Identifiers: Orphanet 347, MedGen C0950122, MeSH D052159, MONDO:0007635, OMIM 136680.
Drash syndrome (DDS). Also called: WILMS TUMOR AND PSEUDO- OR TRUE HERMAPHRODITISM; NEPHROPATHY, WILMS TUMOR, AND GENITAL ANOMALIES. Identifiers: Orphanet 220, MedGen C0950121, MONDO:0008682, OMIM 194080.
Wilms tumor 1 (WT1). Also called: Wilms tumor, somatic. Identifiers: Orphanet 654, MedGen CN033288, MONDO:0008679, OMIM 194070.
11p partial monosomy syndrome (WAGR). Also called: WAGR Complex; WAGR Spectrum Disorder; WAGR syndrome; CHROMOSOME 11p13 DELETION SYNDROME. Identifiers: Orphanet 893, MedGen C0206115, MONDO:0008681, OMIM 194072.
Inborn genetic diseases. Identifiers: MedGen C0950123, MeSH D030342.

Submissions (2):

Ambry Genetics
Classification: Uncertain significance for Inborn genetic diseases. Last evaluated: 2025-08-07. Review status: criteria provided, single submitter. Criteria: Ambry Variant Classification Scheme 2023. Collection method: clinical testing. Allele origin: germline.
Comment: The p.S97R variant (also known as c.291C>A), located in coding exon 1 of the WT1 gene, results from a C to A substitution at nucleotide position 291. The serine at codon 97 is replaced by arginine, an amino acid with dissimilar properties. This amino acid position is conserved. In addition, this alteration is predicted to be tolerated by in silico analysis. Based on the available evidence, the clinical significance of this variant remains unclear.

Labcorp Genetics (formerly Invitae), Labcorp
Classification: Uncertain significance for Wilms tumor 1; Drash syndrome; 11p partial monosomy syndrome; Frasier syndrome. Last evaluated: 2022-10-24. Review status: criteria provided, single submitter. Criteria: Invitae Variant Classification Sherloc (09022015). Collection method: clinical testing. Allele origin: germline.
Comment: This sequence change replaces serine, which is neutral and polar, with arginine, which is basic and polar, at codon 97 of the WT1 protein (p.Ser97Arg). This variant is not present in population databases (gnomAD no frequency). This variant has not been reported in the literature in individuals affected with WT1-related conditions. Algorithms developed to predict the effect of missense changes on protein structure and function are either unavailable or do not agree on the potential impact of this missense change (SIFT: "Deleterious"; PolyPhen-2: "Possibly Damaging"; Align-GVGD: "Class C0"). In summary, the available evidence is currently insufficient to determine the role of this variant in disease. Therefore, it has been classified as a Variant of Uncertain Significance.